The following is an entry in ClinVar:

NM_032109.3(OTP):c.284C>T (p.Ala95Val)

Gene: OTP (orthopedia homeobox; minus strand). Cytogenetic location: 5q14.1.
Variant type: single nucleotide variant.
Coding change: c.284C>T on transcript NM_032109.3 (MANE Select); coding-DNA position 284, C replaced by T.
Protein change: p.Ala95Val; replaces alanine 95 with valine.
Molecular consequence: missense variant.
Genome position (GRCh38, 1-based): chr5:77,636,984, G>A on the plus strand (C>T on the coding strand, the complement: OTP is on the minus strand). VCF-style: chr5-77636984-G-A. GRCh37 (hg19) VCF-style: chr5-76932809-G-A.
Other names: short protein forms A95V.
Identifiers: ClinVar variation 2655552 (VCV002655552.24), dbSNP rs148662448, ClinGen allele CA3316280.

ClinVar aggregate classification (germline): Likely benign (1 of 4 stars; one submission).

Allele frequency attached by ClinVar (database versions not stated): 1000 Genomes Project 0.00240; 1000 Genomes Project 30x 0.00250; ESP Exome Variant Server 0.00384; gnomAD 0.00394; TOPMed 0.00414; ExAC 0.00566.

Submission:

CeGaT Center for Human Genetics Tuebingen
Classification: Likely benign. Last evaluated: 2023-03-01. Review status: criteria provided, single submitter. Criteria: CeGaT Center For Human Genetics Tuebingen Variant Classification Criteria Version 2. Collection method: clinical testing. Allele origin: germline. Affected: yes. Observed: 1 variant allele.
Comment: OTP: BS2